The following is an entry in ClinVar:

ClinVar aggregate classification (germline): Uncertain significance (1 of 4 stars; one submission).

Conditions:
Glycogen storage disease, type II (IOPD). Also called: Pompe Disease; CARDIOMEGALIA GLYCOGENICA DIFFUSA; GLYCOGENOSIS, GENERALIZED, CARDIAC FORM; GSD II; POMPE DISEASE, INFANTILE-ONSET; GLYCOGEN STORAGE DISEASE II, INFANTILE-ONSET. Identifiers: Orphanet 365, MedGen C0017921, MONDO:0009290, OMIM 232300.

Submission:

Genomenon, Inc
Classification: Uncertain significance for Glycogen storage disease, type II. Last evaluated: 2026-07-01. Review status: criteria provided, single submitter. Criteria: Genomenon Sequence Variant Interpretation Standards - Updated. Collection method: curation. Allele origin: germline. Affected: no.
Comment: GAA p.Gln244Pro (c.731A>C) is a missense variant that changes the amino acid at codon 244 from Glutamine to Proline. This variant has been reported in the published literature (PMID:9092938;14972326). It is absent or not present at a significant frequency in gnomAD. In silico models predict that this variant is possibly or probably damaging. In conclusion, we classify GAA p.Gln244Pro (c.731A>C) as a variant of uncertain significance.

Literature cited by the submitters: PubMed 9092938; PubMed 14972326.

NM_000152.5(GAA):c.731A>C (p.Gln244Pro)

Gene: GAA (alpha glucosidase; plus strand). Cytogenetic location: 17q25.3.
Variant type: single nucleotide variant.
Coding change: c.731A>C on transcript NM_000152.5 (MANE Select); coding-DNA position 731, A replaced by C.
Protein change: p.Gln244Pro; replaces glutamine 244 with proline.
Molecular consequence: missense variant.
Genome position (GRCh38, 1-based): chr17:80,107,595, A>C. VCF-style: chr17-80107595-A-C. GRCh37 (hg19) VCF-style: chr17-78081394-A-C.
Other names: c.731A>C, p.Gln244Pro (NM_001079803.3, NM_001079804.3, NM_001406741.1 and 1 more transcripts); short protein forms Q244P.
Identifiers: ClinVar variation 4876646 (VCV004876646.1).